The following is an entry in ClinVar:

ClinVar aggregate classification (germline): Benign. Review status: criteria provided, multiple submitters, no conflicts (2 of 4 stars). 2 submissions from 2 submitters: Benign (2). Last evaluated 2024-01-24.

Submissions (2):

Unidad de Genómica Garrahan, Hospital de Pediatría Garrahan
Classification: Benign. Last evaluated: 2024-01-24. Review status: criteria provided, single submitter. Criteria: ACMG Guidelines, 2015. Collection method: clinical testing. Allele origin: germline. Affected: no. Observed: 69 variant alleles.
Comment: This variant is classified as Benign based on local population frequency. This variant was detected in 73% of patients studied by a panel of primary immunodeficiencies. Number of patients: 69. Only high quality variants are reported.

GeneDx
Classification: Benign. Last evaluated: 2018-07-09. Review status: criteria provided, single submitter. Criteria: GeneDx Variant Classification Process June 2021. Collection method: clinical testing. Allele origin: germline. Affected: yes.

NM_058004.4(PI4KA):c.4995+53dup

Gene: PI4KA (phosphatidylinositol 4-kinase alpha; minus strand). Cytogenetic location: 22q11.21.
Variant type: Duplication.
Coding change: c.4995+53dup on transcript NM_058004.4 (MANE Select); 53 bases into the intron after coding-DNA position 4995, one base duplicated (C; older notation c.4995+53dupC).
Molecular consequence: intron variant.
Genome position (GRCh38, 1-based): chr22:20,726,434, G duplicated on the plus strand (C on the coding strand, the reverse complement: PI4KA is on the minus strand); the first of 2 consecutive G bases (chr22:20,726,434-20,726,435); duplicating either gives the same sequence. VCF-style (leftmost placement, unchanged base first): chr22-20726433-T-TG. GRCh37 (hg19) VCF-style: chr22-21080721-T-TG.
Other names: c.4929+53dup (NM_001362863.2); c.4902+53dup (NM_001362862.2).
Identifiers: ClinVar variation 1286549 (VCV001286549.3), dbSNP rs11462205, ClinGen allele CA322249549.
Genomic context (GRCh38, chr22:20,726,433, plus strand): 5'-CCCTGCCCCTGAGGAGGCTCTGAGGAGCCTGTGAGGGCTGGGGACAGACCGGGCACAAGC[T>TG]GGTGTGGAACACACTCTGTGAGTGAAGAGGACGGCCATGCAGGTGCAGGCTTACCTTGTC-3'